The following is an entry in ClinVar:

ClinVar aggregate classification (germline): Uncertain significance. Review status: criteria provided, multiple submitters, no conflicts (2 of 4 stars). 3 submissions from 3 submitters: Uncertain significance (3). Last evaluated 2024-11-22.

Conditions:
Hereditary cancer-predisposing syndrome. Also called: Hereditary neoplastic syndrome; Neoplastic Syndromes, Hereditary; Hereditary Cancer Syndrome; Tumor predisposition. Identifiers: Orphanet 140162, MedGen C0027672, MeSH D009386, MONDO:0015356.
Multiple endocrine neoplasia, type 2 (MEN2). Identifiers: Orphanet 653, MedGen C4048306, MONDO:0019003. Disease mechanism: gain of function.

gnomAD v4.1: 1 of 1,511,100 alleles (0.000066%); highest among the groups gnomAD compares: Non-Finnish European, 0.000088%; no homozygotes.

Submissions (3):

Ambry Genetics
Classification: Uncertain significance for Hereditary cancer-predisposing syndrome. Last evaluated: 2024-11-22. Review status: criteria provided, single submitter. Criteria: Ambry Variant Classification Scheme 2023. Collection method: clinical testing. Allele origin: germline.
Comment: The p.P20R variant (also known as c.59C>G), located in coding exon 1 of the RET gene, results from a C to G substitution at nucleotide position 59. The proline at codon 20 is replaced by arginine, an amino acid with dissimilar properties. This amino acid position is conserved. In addition, the in silico prediction for this alteration is inconclusive. Since supporting evidence is limited at this time, the clinical significance of this alteration remains unclear.

All of Us Research Program, National Institutes of Health
Classification: Uncertain significance for Multiple endocrine neoplasia, type 2. Last evaluated: 2023-11-02. Review status: criteria provided, single submitter. Criteria: ACMG Guidelines, 2015. Collection method: clinical testing. Allele origin: germline. Inheritance: Autosomal dominant inheritance. Observed: 1 variant allele, 1 heterozygote.
Comment: This missense variant replaces proline with arginine at codon 20 of the RET protein. Computational prediction suggests that this variant may not impact protein structure and function (internally defined REVEL score threshold <= 0.5, PMID: 27666373). To our knowledge, functional studies have not been reported for this variant. This variant has not been reported in individuals affected with RET-related disorders in the literature. This variant has not been identified in the general population by the Genome Aggregation Database (gnomAD). The available evidence is insufficient to determine the role of this variant in disease conclusively. Therefore, this variant is classified as a Variant of Uncertain Significance.

This study involves interpretation of variants in research participants for the purpose of population health screening. Participant phenotype was not available at the time of variant classification. Additional details can be found in publication PMID: 35346344, PMCID: PMC8962531

Labcorp Genetics (formerly Invitae), Labcorp
Classification: Uncertain significance for Multiple endocrine neoplasia, type 2. Last evaluated: 2023-11-02. Review status: criteria provided, single submitter. Criteria: Invitae Variant Classification Sherloc (09022015). Collection method: clinical testing. Allele origin: germline.
Comment: This sequence change replaces proline, which is neutral and non-polar, with arginine, which is basic and polar, at codon 20 of the RET protein (p.Pro20Arg). This variant is not present in population databases (gnomAD no frequency). This variant has not been reported in the literature in individuals affected with RET-related conditions. ClinVar contains an entry for this variant (Variation ID: 965788). An algorithm developed to predict the effect of missense changes on protein structure and function (PolyPhen-2) suggests that this variant is likely to be disruptive. In summary, the available evidence is currently insufficient to determine the role of this variant in disease. Therefore, it has been classified as a Variant of Uncertain Significance.

NM_020975.6(RET):c.59C>G (p.Pro20Arg)

Gene: RET (ret proto-oncogene; plus strand). Cytogenetic location: 10q11.21.
Variant type: single nucleotide variant.
Coding change: c.59C>G on transcript NM_020975.6 (MANE Select); coding-DNA position 59, C replaced by G.
Protein change: p.Pro20Arg; replaces proline 20 with arginine.
Molecular consequence: missense variant.
Genome position (GRCh38, 1-based): chr10:43,077,317, C>G. VCF-style: chr10-43077317-C-G. GRCh37 (hg19) VCF-style: chr10-43572765-C-G.
Other names: c.59C>G, p.Pro20Arg (NM_001406793.1, NM_001406794.1, NM_020629.2 and 38 more transcripts); short protein forms P20R.
Identifiers: ClinVar variation 965788 (VCV000965788.13), dbSNP rs1837067697, ClinGen allele CA376768104.